The following is an entry in ClinVar:

ClinVar aggregate classification (germline): Likely pathogenic (1 of 4 stars; one submission).

Conditions:
Nemaline myopathy 2 (NEM2). Also called: Nemaline myopathy 2, autosomal recessive. Identifiers: MedGen C1850569, MONDO:0009725, OMIM 256030.

Submission:

Myriad Genetics, Inc.
Classification: Likely pathogenic for Nemaline myopathy 2. Last evaluated: 2022-02-05. Review status: criteria provided, single submitter. Criteria: Myriad Women's Health Autosomal Recessive and X-Linked Classification Criteria (2021). Collection method: clinical testing. Allele origin: unknown.
Comment: NM_001271208.1(NEB):c.11140G>T(E3714*) is expected to be pathogenic in the context of NEB-related nemaline myopathy. This variant is predicted to lead to an abnormal or absent protein product due to the creation of a premature termination codon in NEB, a gene where loss-of-function variants are known to be pathogenic. Please note: this variant was assessed in the context of healthy population screening.

NM_001164508.2(NEB):c.11140G>T (p.Glu3714Ter)

Gene: NEB (nebulin; minus strand). Cytogenetic location: 2q23.3.
Variant type: single nucleotide variant.
Coding change: c.11140G>T on transcript NM_001164508.2 (MANE Select); coding-DNA position 11140, G replaced by T.
Protein change: p.Glu3714Ter; replaces glutamic acid 3714 with a stop codon.
Molecular consequence: nonsense.
Genome position (GRCh38, 1-based): chr2:151,617,405, C>A on the plus strand (G>T on the coding strand, the complement: NEB is on the minus strand). VCF-style: chr2-151617405-C-A. GRCh37 (hg19) VCF-style: chr2-152473919-C-A.
Other names: c.11140G>T, p.Glu3714Ter (NM_001164507.2, NM_001271208.2); c.10411G>T, p.Glu3471Ter (NM_004543.5); short protein forms E3471*, E3714*.
Identifiers: ClinVar variation 1724308 (VCV001724308.2), dbSNP rs2552231458, ClinGen allele CA348784966.